The following is an entry in ClinVar:

ClinVar aggregate classification (germline): Pathogenic/Likely pathogenic. Review status: criteria provided, multiple submitters, no conflicts (2 of 4 stars). 2 submissions from 2 submitters: Pathogenic (1); Likely pathogenic (1). Last evaluated 2025-08-21.

Conditions:
COL1A1-related Ehlers-Danlos syndrome. Identifiers: MedGen CN379214, MONDO:0100599.
Osteogenesis imperfecta type III (OI3). Also called: Progressively Deforming Osteogenesis Imperfecta; Osteogenesis imperfecta type 3; OI type 3; Osteogenesis imperfecta, progressively deforming with normal sclerae; OI type III. Identifiers: Orphanet 216812, Orphanet 666, MedGen C0268362, MONDO:0009804, OMIM 259420.

Submissions (2):

Regional Center For Medical Genetics Timis, Louis Turcanu Emergency Hospital for Children Timisoara
Classification: Likely pathogenic for COL1A1-related Ehlers-Danlos syndrome. Last evaluated: 2025-08-21. Review status: criteria provided, single submitter. Criteria: ACMG Guidelines, 2015. Collection method: clinical testing. Allele origin: unknown. Inheritance: Autosomal dominant inheritance. Affected: yes. Observed: 1 heterozygote.
Comment: This missense variant is located in a genomic region constrained for missense variation. Glycine-to-arginine substitution within the alpha-1 collagen chain is a well known mechanism for the COL1A1-related disorders. This missense variant is not present in the healthy population databases (gnomAD v4.1.0). Computational predictions support variant pathogenicity (REVEL score = 0.996). This variant was previously described in a patient with a clinical presentation compatible with OI type IV, with no cardiac and pulmonary abnormalities (PMID: 22589248). This variant is supposed to have occurred de novo, but family testing was not available.

Clinical Biomedical Laboratory, Shriners Hospital For Children - Canada
Classification: Pathogenic for Osteogenesis imperfecta type III. Last evaluated: 2025-07-16. Review status: criteria provided, single submitter. Criteria: ACMG Guidelines, 2015. Collection method: clinical testing. Allele origin: germline. Affected: yes.
Comment: This variant is predicted to replace a glycine residue by an arginine residue in the triple helical domain of the collagen type I alpha1 chain. Glycine substitutions in the triple helical domain of collagen type I cause disruption in the formation of the triple helix in the collagen molecule and are a typical cause of osteogenesis imperfecta. Prediction tools suggest that the variant is deleterious to protein function (REVEL: 1.00). This variant has been reported in the literature (PMID:17078022).

Literature cited by the submitters: PubMed 22589248 (cited by Regional Center For Medical Genetics Timis, Louis Turcanu Emergency Hospital for Children Timisoara); PubMed 17078022 (cited by Clinical Biomedical Laboratory, Shriners Hospital For Children - Canada).

NM_000088.4(COL1A1):c.940G>A (p.Gly314Arg)

Gene: COL1A1 (collagen type I alpha 1 chain; minus strand). Cytogenetic location: 17q21.33.
Variant type: single nucleotide variant.
Coding change: c.940G>A on transcript NM_000088.4 (MANE Select); coding-DNA position 940, G replaced by A.
Protein change: p.Gly314Arg; replaces glycine 314 with arginine.
Molecular consequence: missense variant.
Genome position (GRCh38, 1-based): chr17:50,196,331, C>T on the plus strand (G>A on the coding strand, the complement: COL1A1 is on the minus strand). VCF-style: chr17-50196331-C-T. GRCh37 (hg19) VCF-style: chr17-48273692-C-T.
Other names: short protein forms G314R.
Identifiers: ClinVar variation 4075334 (VCV004075334.2).